The following is an entry in ClinVar:

ClinVar aggregate classification (germline): Uncertain significance (1 of 4 stars; one submission).

gnomAD v4.1: 2 of 1,613,902 alleles (0.00012%); highest among the groups gnomAD compares: Non-Finnish European, 0.00017%; no homozygotes.

Submission:

Labcorp Genetics (formerly Invitae), Labcorp
Classification: Uncertain significance. Last evaluated: 2025-02-20. Review status: criteria provided, single submitter. Criteria: Invitae Variant Classification Sherloc (09022015). Collection method: clinical testing. Allele origin: germline.
Comment: This sequence change replaces asparagine, which is neutral and polar, with aspartic acid, which is acidic and polar, at codon 3277 of the VCAN protein (p.Asn3277Asp). This variant is not present in population databases (gnomAD no frequency). This variant has not been reported in the literature in individuals affected with VCAN-related conditions. An algorithm developed to predict the effect of missense changes on protein structure and function (PolyPhen-2) suggests that this variant is likely to be disruptive. In summary, the available evidence is currently insufficient to determine the role of this variant in disease. Therefore, it has been classified as a Variant of Uncertain Significance.

NM_004385.5(VCAN):c.9829A>G (p.Asn3277Asp)

Gene: VCAN (versican; plus strand). Cytogenetic location: 5q14.3.
Variant type: single nucleotide variant.
Coding change: c.9829A>G on transcript NM_004385.5 (MANE Select); coding-DNA position 9829, A replaced by G.
Protein change: p.Asn3277Asp; replaces asparagine 3277 with aspartic acid.
Molecular consequence: missense variant.
Genome position (GRCh38, 1-based): chr5:83,572,509, A>G. VCF-style: chr5-83572509-A-G. GRCh37 (hg19) VCF-style: chr5-82868328-A-G.
Other names: c.1606A>G, p.Asn536Asp (NM_001126336.3); c.6868A>G, p.Asn2290Asp (NM_001164097.2); c.4567A>G, p.Asn1523Asp (NM_001164098.2); short protein forms N2290D, N536D, N1523D, N3277D.
Identifiers: ClinVar variation 4778372 (VCV004778372.1).